The following is an entry in ClinVar:

NM_178335.3(CCDC50):c.788G>C (p.Arg263Pro)

Gene: CCDC50 (coiled-coil domain containing 50; plus strand). Cytogenetic location: 3q28.
Variant type: single nucleotide variant.
Coding change: c.788G>C on transcript NM_178335.3 (MANE Select); coding-DNA position 788, G replaced by C.
Protein change: p.Arg263Pro; replaces arginine 263 with proline.
Molecular consequence: missense variant. On other transcripts: intron variant (1).
Genome position (GRCh38, 1-based): chr3:191,375,401, G>C. VCF-style: chr3-191375401-G-C. GRCh37 (hg19) VCF-style: chr3-191093190-G-C.
Other names: c.449-4758G>C (NM_174908.4); short protein forms R263P.
Identifiers: ClinVar variation 3031138 (VCV003031138.2), dbSNP rs534593003, ClinGen allele CA2755330.

ClinVar aggregate classification (germline): Likely benign (0 of 4 stars; one submission).

Conditions:
CCDC50-related disorder. Also called: CCDC50-related condition.

Allele frequency attached by ClinVar (database versions not stated): gnomAD 0.00003; 1000 Genomes Project 30x 0.00016; ExAC 0.00016; 1000 Genomes Project 0.00020.
gnomAD v4.1: 104 of 1,613,724 alleles (0.0064%); highest among the groups gnomAD compares: South Asian, 0.11%; no homozygotes.

Submission:

PreventionGenetics, part of Exact Sciences
Classification: Likely benign for CCDC50-related condition. Last evaluated: 2023-06-22. Review status: no assertion criteria provided. Collection method: clinical testing. Allele origin: germline.
Comment: This variant is classified as likely benign based on ACMG/AMP sequence variant interpretation guidelines (Richards et al. 2015 PMID: 25741868, with internal and published modifications).